The following is an entry in ClinVar:

NM_030962.4(SBF2):c.835G>A (p.Val279Ile)

Gene: SBF2 (SET binding factor 2; minus strand). Cytogenetic location: 11p15.4.
Variant type: single nucleotide variant.
Coding change: c.835G>A on transcript NM_030962.4 (MANE Select); coding-DNA position 835, G replaced by A.
Protein change: p.Val279Ile; replaces valine 279 with isoleucine.
Molecular consequence: missense variant.
Genome position (GRCh38, 1-based): chr11:10,000,940, C>T on the plus strand (G>A on the coding strand, the complement: SBF2 is on the minus strand). VCF-style: chr11-10000940-C-T. GRCh37 (hg19) VCF-style: chr11-10022487-C-T.
Other names: c.835G>A, p.Val279Ile (NM_001386339.1, NM_001386342.1); c.871G>A, p.Val291Ile (NM_001424318.1, NM_001425069.1, NM_001425070.1); short protein forms V279I, V291I.
Identifiers: ClinVar variation 3708113 (VCV003708113.2).

ClinVar aggregate classification (germline): Uncertain significance (1 of 4 stars; one submission).

Conditions:
Charcot-Marie-Tooth disease type 4. Also called: Charcot-Marie-Tooth, Type 4; Charcot-Marie-Tooth disease, type IV. Identifiers: Orphanet 64749, MedGen C4082197, MONDO:0018995.

gnomAD v4.1: 2 of 1,598,226 alleles (0.00013%); highest among the groups gnomAD compares: African/African-American, 0.0013%; no homozygotes.

Submission:

Labcorp Genetics (formerly Invitae), Labcorp
Classification: Uncertain significance for Charcot-Marie-Tooth disease type 4. Last evaluated: 2024-11-11. Review status: criteria provided, single submitter. Criteria: Invitae Variant Classification Sherloc (09022015). Collection method: clinical testing. Allele origin: germline.
Comment: This sequence change replaces valine, which is neutral and non-polar, with isoleucine, which is neutral and non-polar, at codon 279 of the SBF2 protein (p.Val279Ile). This variant is not present in population databases (gnomAD no frequency). This variant has not been reported in the literature in individuals affected with SBF2-related conditions. Invitae Evidence Modeling of protein sequence and biophysical properties (such as structural, functional, and spatial information, amino acid conservation, physicochemical variation, residue mobility, and thermodynamic stability) indicates that this missense variant is not expected to disrupt SBF2 protein function with a negative predictive value of 80%. In summary, the available evidence is currently insufficient to determine the role of this variant in disease. Therefore, it has been classified as a Variant of Uncertain Significance.